The following is an entry in ClinVar:

NM_144991.3(TSPEAR):c.1836G>A (p.Ser612=)

Gene: TSPEAR (thrombospondin type laminin G domain and EAR repeats; minus strand). Cytogenetic location: 21q22.3.
Variant type: single nucleotide variant.
Coding change: c.1836G>A on transcript NM_144991.3 (MANE Select); coding-DNA position 1836, G replaced by A.
Protein change: p.Ser612=; no amino-acid change (serine 612 retained).
Molecular consequence: synonymous variant.
Genome position (GRCh38, 1-based): chr21:44,504,800, C>T on the plus strand (G>A on the coding strand, the complement: TSPEAR is on the minus strand). VCF-style: chr21-44504800-C-T. GRCh37 (hg19) VCF-style: chr21-45924683-C-T.
Other names: c.1836G>A (NM_144991.2); c.1632G>A, p.Ser544= (NM_001272037.2).
Identifiers: ClinVar variation 1598101 (VCV001598101.10), dbSNP rs112006551, ClinGen allele CA10056312.
Genomic context (GRCh38, chr21:44,504,800, plus strand): 5'-GCAAGGCTCTGGGAGGAGGCCGGCCTCGGCAGCTCATTACCTGTAAATAATACTGTTCAC[C>T]GAGAAGGTACGCCCATCGAAGGAGTTGGCCACCACCAGGAAATAATCTTCTCCCACCGAG-3'
Protein context (NP_659428.2, residues 602-622): VANSFDGRTF[Ser612=]VNSIIYRWQG

ClinVar aggregate classification (germline): Likely benign. Review status: criteria provided, single submitter (1 of 4 stars). 2 submissions from 2 submitters: Likely benign (1). 1 of the submissions does not count toward it. Last evaluated 2025-09-04.

Conditions:
TSPEAR-related disorder. Also called: TSPEAR-related condition.

gnomAD v4.1: 141 of 1,613,478 alleles (0.0087%); highest among the groups gnomAD compares: South Asian, 0.021%; 1 homozygote.

Submissions (2):

Labcorp Genetics (formerly Invitae), Labcorp
Classification: Likely benign. Last evaluated: 2025-09-04. Review status: criteria provided, single submitter. Criteria: Invitae Variant Classification Sherloc (09022015). Collection method: clinical testing. Allele origin: germline.

PreventionGenetics, part of Exact Sciences
Classification: Likely benign for TSPEAR-related condition. Last evaluated: 2019-12-24. Review status: no assertion criteria provided. Collection method: clinical testing. Allele origin: germline. Not counted in ClinVar's aggregate classification.
Comment: This variant is classified as likely benign based on ACMG/AMP sequence variant interpretation guidelines (Richards et al. 2015 PMID: 25741868, with internal and published modifications).